The following is an entry in ClinVar:

ClinVar aggregate classification (germline): Uncertain significance. Review status: criteria provided, multiple submitters, no conflicts (2 of 4 stars). 2 submissions from 2 submitters: Uncertain significance (2). Last evaluated 2025-07-05.

Conditions:
Duane-radial ray syndrome (DRRS). Also called: Duane-Radial Ray Syndrome (DRRS) / Okihiro Syndrome; ACRORENOOCULAR SYNDROME; DR SYNDROME; DUANE ANOMALY WITH RADIAL RAY ABNORMALITIES AND DEAFNESS; Duane-Radial Ray Syndrome/Okihiro Syndrome; Okihiro Syndrome. Identifiers: Orphanet 93293, Orphanet 959, MedGen C1623209, MONDO:0011812, OMIM 607323. Disease mechanism: gain of function.
Inborn genetic diseases. Identifiers: MedGen C0950123, MeSH D030342.

Submissions (2):

Labcorp Genetics (formerly Invitae), Labcorp
Classification: Uncertain significance for Duane-radial ray syndrome. Last evaluated: 2025-07-05. Review status: criteria provided, single submitter. Criteria: Invitae Variant Classification Sherloc (09022015). Collection method: clinical testing. Allele origin: germline.
Comment: This sequence change replaces alanine, which is neutral and non-polar, with valine, which is neutral and non-polar, at codon 311 of the SALL4 protein (p.Ala311Val). This variant is not present in population databases (gnomAD no frequency). This variant has not been reported in the literature in individuals affected with SALL4-related conditions. ClinVar contains an entry for this variant (Variation ID: 3157620). An algorithm developed to predict the effect of missense changes on protein structure and function outputs the following: PolyPhen-2: "Benign". The valine amino acid residue is found in multiple mammalian species, which suggests that this missense change does not adversely affect protein function. In summary, the available evidence is currently insufficient to determine the role of this variant in disease. Therefore, it has been classified as a Variant of Uncertain Significance.

Ambry Genetics
Classification: Uncertain significance for Inborn genetic diseases. Last evaluated: 2024-02-17. Review status: criteria provided, single submitter. Criteria: Ambry Variant Classification Scheme 2023. Collection method: clinical testing. Allele origin: germline.

NM_020436.5(SALL4):c.932C>T (p.Ala311Val)

Gene: SALL4 (spalt like transcription factor 4; minus strand). Cytogenetic location: 20q13.2.
Variant type: single nucleotide variant.
Coding change: c.932C>T on transcript NM_020436.5 (MANE Select); coding-DNA position 932, C replaced by T.
Protein change: p.Ala311Val; replaces alanine 311 with valine.
Molecular consequence: missense variant.
Genome position (GRCh38, 1-based): chr20:51,791,551, G>A on the plus strand (C>T on the coding strand, the complement: SALL4 is on the minus strand). VCF-style: chr20-51791551-G-A. GRCh37 (hg19) VCF-style: chr20-50408090-G-A.
Other names: c.932C>T, p.Ala311Val (NM_001318031.2); short protein forms A311V.
Identifiers: ClinVar variation 3157620 (VCV003157620.3), dbSNP rs2515717537, ClinGen allele CA409015014.